The following is an entry in ClinVar:

NC_000016.9:g.(?_1560427)_(1576798_1607935)dup

Genes: TMEM204 (transmembrane protein 204; plus strand), IFT140 (intraflagellar transport 140; minus strand), TELO2 (telomere maintenance 2; plus strand). Cytogenetic location: 16p13.3.
Variant type: Duplication.
Identifiers: ClinVar variation 1698547 (VCV001698547.1).

ClinVar aggregate classification (germline): Uncertain significance (1 of 4 stars; one submission).

Submission:

Women's Health and Genetics/Laboratory Corporation of America, LabCorp
Classification: Uncertain significance. Last evaluated: 2022-06-01. Review status: criteria provided, single submitter. Criteria: LabCorp Variant Classification Summary - May 2015. Collection method: clinical testing. Allele origin: germline.
Comment: Variant summary: The variant identified by MLPA or other technology involves the duplication of exons 20-31 (last exon) in the IFT140 gene. A presumed nomenclature of c.(2399+1_2400-1)_(*518_?)dup has been designated for the purposes of this classification. It has been assumed that this is a tandem duplication in direct orientation (Richardson_GIM_2018, Newman_AJHG_2015). Since the exact breakpoints of this duplication are not known, it is not possible to predict the protein level effect of this duplication. The variant was absent in 20902 control chromosomes (gnomAD SVs database). The available data on variant occurrences in the general population are insufficient to allow any conclusion about variant significance. To our knowledge, no occurrence of c.(2399+1_2400-1)_(*518_?)dup in individuals affected with Retinitis Pigmentosa and no experimental evidence demonstrating its impact on protein function have been reported. No clinical diagnostic laboratories have submitted clinical-significance assessments for this variant to ClinVar after 2014. Based on the evidence outlined above, the variant was classified as uncertain significance.